The following is an entry in ClinVar:

ClinVar aggregate classification (germline): Pathogenic (1 of 4 stars; one submission).

Submission:

Labcorp Genetics (formerly Invitae), Labcorp
Classification: Pathogenic. Last evaluated: 2022-04-06. Review status: criteria provided, single submitter. Criteria: Invitae Variant Classification Sherloc (09022015). Collection method: clinical testing. Allele origin: germline.
Comment: This variant is a gross deletion of the genomic region encompassing exon(s) 3-9 of the CDH3 gene. This deletion is out-of-frame, and is expected to create a premature termination codon and result in an absent or disrupted protein product. Loss-of-function variants in CDH3 are known to be pathogenic (PMID: 15805154, 27386845, 29620724). This variant has not been reported in the literature in individuals affected with CDH3-related conditions. For these reasons, this variant has been classified as Pathogenic.

Literature cited by the submitters: PubMed 15805154; PubMed 27386845; PubMed 29620724.

NC_000016.9:g.(?_68710268)_(68716410_?)del

Gene: CDH3 (cadherin 3; plus strand). Cytogenetic location: 16q22.1.
Variant type: Deletion.
Identifiers: ClinVar variation 2424247 (VCV002424247.4).